The following is an entry in ClinVar:

NC_000001.10:g.(?_146714354)_(147381384_?)del

Genes: GJA8 (gap junction protein alpha 8; plus strand), ACP6 (acid phosphatase 6, lysophosphatidic; minus strand), BCL9 (BCL9 transcription coactivator; plus strand), CHD1L (chromodomain helicase DNA binding protein 1 like; plus strand), GJA5 (gap junction protein alpha 5; minus strand). Cytogenetic location: 1q21.1-21.2.
Variant type: Deletion.
Identifiers: ClinVar variation 2425333 (VCV002425333.2).

ClinVar aggregate classification (germline): Pathogenic (1 of 4 stars; one submission).

Conditions:
Cataract 1 multiple types. Also called: CATARACT, DUFFY-LINKED; CATARACT 1, MULTIPLE TYPES, WITH OR WITHOUT MICROCORNEA; CATARACT 1, NUCLEAR PROGRESSIVE; CATARACT 1 WITH MICROCORNEA; CATARACT 1, POSTERIOR SUBCAPSULAR, WITH MICROCORNEA; CATARACT 1, STELLATE NUCLEAR, WITH MICROCORNEA. Identifiers: Orphanet 1377, MedGen C1861828, MONDO:0007285, OMIM 116200.

Submission:

Labcorp Genetics (formerly Invitae), Labcorp
Classification: Pathogenic for Cataract 1 multiple types. Last evaluated: 2022-04-18. Review status: criteria provided, single submitter. Criteria: Invitae Variant Classification Sherloc (09022015). Collection method: clinical testing. Allele origin: germline.
Comment: A gross deletion of the genomic region encompassing the full coding sequence of the GJA8 gene has been identified. Loss-of-function variants in GJA8 are known to be pathogenic (PMID: 17601931, 23720739, 23772370). The boundaries of this event are unknown as they extend beyond the assayed region for this gene and therefore may encompass additional genes. This variant has not been reported in the literature in individuals affected with GJA8-related conditions. For these reasons, this variant has been classified as Pathogenic.

Literature cited by the submitters: PubMed 17601931; PubMed 23720739; PubMed 23772370.